The following is an entry in ClinVar:

NM_007272.3(CTRC):c.364A>G (p.Ile122Val)

Gene: CTRC (chymotrypsin C; plus strand). Cytogenetic location: 1p36.21.
Variant type: single nucleotide variant.
Coding change: c.364A>G on transcript NM_007272.3 (MANE Select); coding-DNA position 364, A replaced by G.
Protein change: p.Ile122Val; replaces isoleucine 122 with valine.
Molecular consequence: missense variant.
Genome position (GRCh38, 1-based): chr1:15,443,426, A>G. VCF-style: chr1-15443426-A-G. GRCh37 (hg19) VCF-style: chr1-15769921-A-G.
Other names: short protein forms I122V.
Identifiers: ClinVar variation 4008115 (VCV004008115.1).

ClinVar aggregate classification (germline): Uncertain significance (1 of 4 stars; one submission).

Conditions:
Hereditary pancreatitis (PCTT). Also called: Hereditary chronic pancreatitis; PRSS1-Related Hereditary Pancreatitis. Identifiers: Orphanet 676, MedGen C0238339, MONDO:0008185, OMIM 167800.

gnomAD v4.1: 1 of 1,614,190 alleles (0.000062%); highest among the groups gnomAD compares: South Asian, 0.0011%; no homozygotes.

Submission:

Ambry Genetics
Classification: Uncertain significance for Hereditary pancreatitis. Last evaluated: 2025-03-28. Review status: criteria provided, single submitter. Criteria: Ambry Variant Classification Scheme 2023. Collection method: clinical testing. Allele origin: germline.
Comment: The p.I122V variant (also known as c.364A>G), located in coding exon 5 of the CTRC gene, results from an A to G substitution at nucleotide position 364. The isoleucine at codon 122 is replaced by valine, an amino acid with highly similar properties. This amino acid position is conserved. In addition, this alteration is predicted to be tolerated by in silico analysis. Based on the available evidence, the clinical significance of this variant remains unclear.